The following is an entry in ClinVar:

ClinVar aggregate classification (germline): Uncertain significance. Review status: criteria provided, multiple submitters, no conflicts (2 of 4 stars). 2 submissions from 2 submitters: Uncertain significance (2). Last evaluated 2025-08-04.

Conditions:
BACH2-related disorder. Also called: BACH2-related condition.

Allele frequency attached by ClinVar (database versions not stated): gnomAD 0.00001.
gnomAD v4.1: 2 of 1,614,050 alleles (0.00012%); highest among the groups gnomAD compares: Non-Finnish European, 0.00017%; no homozygotes.

Submissions (2):

Labcorp Genetics (formerly Invitae), Labcorp
Classification: Uncertain significance. Last evaluated: 2025-08-04. Review status: criteria provided, single submitter. Criteria: Invitae Variant Classification Sherloc (09022015). Collection method: clinical testing. Allele origin: germline.
Comment: This sequence change replaces valine, which is neutral and non-polar, with leucine, which is neutral and non-polar, at codon 468 of the BACH2 protein (p.Val468Leu). This variant is not present in population databases (gnomAD no frequency). This variant has not been reported in the literature in individuals affected with BACH2-related conditions. ClinVar contains an entry for this variant (Variation ID: 2006500). Invitae Evidence Modeling of protein sequence and biophysical properties (such as structural, functional, and spatial information, amino acid conservation, physicochemical variation, residue mobility, and thermodynamic stability) indicates that this missense variant is not expected to disrupt BACH2 protein function with a negative predictive value of 80%. In summary, the available evidence is currently insufficient to determine the role of this variant in disease. Therefore, it has been classified as a Variant of Uncertain Significance.

PreventionGenetics, part of Exact Sciences
Classification: Uncertain significance for BACH2-related condition. Last evaluated: 2023-04-26. Review status: criteria provided, single submitter. Criteria: ACMG Guidelines, 2015. Collection method: clinical testing. Allele origin: germline.
Comment: The BACH2 c.1402G>T variant is predicted to result in the amino acid substitution p.Val468Leu. To our knowledge, this variant has not been reported in the literature or in a large population database, indicating this variant is rare. At this time, the clinical significance of this variant is uncertain due to the absence of conclusive functional and genetic evidence.

NM_021813.4(BACH2):c.1402G>T (p.Val468Leu)

Gene: BACH2 (BACH transcriptional regulator 2; minus strand). Cytogenetic location: 6q15.
Variant type: single nucleotide variant.
Coding change: c.1402G>T on transcript NM_021813.4 (MANE Select); coding-DNA position 1402, G replaced by T.
Protein change: p.Val468Leu; replaces valine 468 with leucine.
Molecular consequence: missense variant.
Genome position (GRCh38, 1-based): chr6:89,950,704, C>A on the plus strand (G>T on the coding strand, the complement: BACH2 is on the minus strand). VCF-style: chr6-89950704-C-A. GRCh37 (hg19) VCF-style: chr6-90660423-C-A.
Other names: c.1402G>T (NM_021813.3); c.1402G>T, p.Val468Leu (NM_001170794.2); short protein forms V468L.
Identifiers: ClinVar variation 2006500 (VCV002006500.5), dbSNP rs1208168856, ClinGen allele CA365070912.